The following is an entry in ClinVar:

ClinVar aggregate classification (germline): Pathogenic (1 of 4 stars; one submission).

Conditions:
Neurofibromatosis, type 1 (NF1). Also called: Neurofibromatosis, type I; Peripheral type neurofibromatosis; VON RECKLINGHAUSEN DISEASE; NEUROFIBROMATOSIS, TYPE I, SOMATIC. Identifiers: Orphanet 636, MedGen C0027831, MONDO:0018975, OMIM 162200. Disease mechanism: loss of function.

Submission:

Labcorp Genetics (formerly Invitae), Labcorp
Classification: Pathogenic for Neurofibromatosis, type 1. Last evaluated: 2023-03-20. Review status: criteria provided, single submitter. Criteria: Invitae Variant Classification Sherloc (09022015). Collection method: clinical testing. Allele origin: germline.
Comment: This sequence change creates a premature translational stop signal (p.Tyr1296*) in the NF1 gene. It is expected to result in an absent or disrupted protein product. Loss-of-function variants in NF1 are known to be pathogenic (PMID: 10712197, 23913538). This variant is not present in population databases (gnomAD no frequency). This premature translational stop signal has been observed in individual(s) with clinical features of neurofibromatosis type 1 (PMID: 25325900). For these reasons, this variant has been classified as Pathogenic.

Literature cited by the submitters: PubMed 10712197; PubMed 23913538; PubMed 25325900.

NM_001042492.3(NF1):c.3888T>A (p.Tyr1296Ter)

Gene: NF1 (neurofibromin 1; plus strand). Cytogenetic location: 17q11.2.
Variant type: single nucleotide variant.
Coding change: c.3888T>A on transcript NM_001042492.3 (MANE Select); coding-DNA position 3888, T replaced by A.
Protein change: p.Tyr1296Ter; replaces tyrosine 1296 with a stop codon.
Molecular consequence: nonsense.
Genome position (GRCh38, 1-based): chr17:31,235,935, T>A. VCF-style: chr17-31235935-T-A. GRCh37 (hg19) VCF-style: chr17-29562953-T-A.
Other names: c.3888T>A, p.Tyr1296Ter (NM_000267.4); short protein forms Y1296*.
Identifiers: ClinVar variation 2736545 (VCV002736545.3), dbSNP rs2151438526, ClinGen allele CA398993038.